The following is an entry in ClinVar:

NM_001690.4(ATP6V1A):c.1069G>C (p.Ala357Pro)

Gene: ATP6V1A (ATPase H+ transporting V1 subunit A; plus strand). Cytogenetic location: 3q13.31.
Variant type: single nucleotide variant.
Coding change: c.1069G>C on transcript NM_001690.4 (MANE Select); coding-DNA position 1069, G replaced by C.
Protein change: p.Ala357Pro; replaces alanine 357 with proline.
Molecular consequence: missense variant.
Genome position (GRCh38, 1-based): chr3:113,794,952, G>C. VCF-style: chr3-113794952-G-C. GRCh37 (hg19) VCF-style: chr3-113513799-G-C.
Other names: short protein forms A357P.
Identifiers: ClinVar variation 4536633 (VCV004536633.1).

ClinVar aggregate classification (germline): Likely pathogenic (1 of 4 stars; one submission).

Conditions:
Developmental and epileptic encephalopathy 93. Also called: EPILEPTIC ENCEPHALOPATHY, INFANTILE OR EARLY CHILDHOOD, 3. Identifiers: MedGen C4693934, MONDO:0020632, OMIM 618012.

Submission:

Clinical Genetics Laboratory, Skane University Hospital Lund
Classification: Likely pathogenic for Developmental and epileptic encephalopathy 93. Last evaluated: 2025-12-05. Review status: criteria provided, single submitter. Criteria: ACMG Guidelines, 2015. Collection method: clinical testing. Allele origin: de novo. Inheritance: Autosomal dominant inheritance. Affected: yes.
Comment: ACMG criteria applied: PS2_Moderate, PM1, PM2 and PP3.